The following is an entry in ClinVar:

NM_007215.4(POLG2):c.620G>T (p.Gly207Val)

Genes: MILR1 (mast cell immunoglobulin like receptor 1; plus strand), POLG2 (DNA polymerase gamma 2, accessory subunit; minus strand). Cytogenetic location: 17q23.3.
Variant type: single nucleotide variant.
Coding change: c.620G>T on transcript NM_007215.4 (MANE Select); coding-DNA position 620, G replaced by T.
Protein change: p.Gly207Val; replaces glycine 207 with valine.
Molecular consequence: missense variant.
Genome position (GRCh38, 1-based): chr17:64,492,964, C>A on the plus strand (G>T on the coding strand, the complement: POLG2 is on the minus strand). VCF-style: chr17-64492964-C-A. GRCh37 (hg19) VCF-style: chr17-62489081-C-A.
Other names: c.620G>T (NM_007215.3); short protein forms G207V.
Identifiers: ClinVar variation 808309 (VCV000808309.48), dbSNP rs782161056, ClinGen allele CA8712967.

ClinVar aggregate classification (germline): Uncertain significance. Review status: criteria provided, multiple submitters, no conflicts (2 of 4 stars). 3 submissions from 3 submitters: Uncertain significance (3). Last evaluated 2025-10-27.

Allele frequency attached by ClinVar (database versions not stated): TOPMed below 0.00001; gnomAD 0.00002; gnomAD exomes 0.00002 and 0.00004; ExAC 0.00007.
gnomAD v4.1: 28 of 1,613,744 alleles (0.0017%); highest among the groups gnomAD compares: Non-Finnish European, 0.002%; no homozygotes.

Submissions (3):

Labcorp Genetics (formerly Invitae), Labcorp
Classification: Uncertain significance. Last evaluated: 2025-10-27. Review status: criteria provided, single submitter. Criteria: Invitae Variant Classification Sherloc (09022015). Collection method: clinical testing. Allele origin: germline.
Comment: This sequence change replaces glycine, which is neutral and non-polar, with valine, which is neutral and non-polar, at codon 207 of the POLG2 protein (p.Gly207Val). This variant is present in population databases (rs782161056, gnomAD 0.009%). This variant has not been reported in the literature in individuals affected with POLG2-related conditions. ClinVar contains an entry for this variant (Variation ID: 808309). An algorithm developed to predict the effect of missense changes on protein structure and function (PolyPhen-2) suggests that this variant is likely to be disruptive. In summary, the available evidence is currently insufficient to determine the role of this variant in disease. Therefore, it has been classified as a Variant of Uncertain Significance.

Ambry Genetics
Classification: Uncertain significance. Last evaluated: 2024-12-05. Review status: criteria provided, single submitter. Criteria: Ambry Variant Classification Scheme 2023. Collection method: clinical testing. Allele origin: germline.

CeGaT Center for Human Genetics Tuebingen
Classification: Uncertain significance. Last evaluated: 2020-04-01. Review status: criteria provided, single submitter. Criteria: CeGaT Center For Human Genetics Tuebingen Variant Classification Criteria Version 2. Collection method: clinical testing. Allele origin: germline. Affected: yes. Observed: 2 variant alleles.